The following is an entry in ClinVar:

ClinVar aggregate classification (germline): Uncertain significance. Review status: criteria provided, multiple submitters, no conflicts (2 of 4 stars). 3 submissions from 3 submitters: Uncertain significance (2). 1 of the submissions does not count toward it. Last evaluated 2025-09-17.

Conditions:
Polycystic kidney disease 3 with or without polycystic liver disease. Also called: POLYCYSTIC KIDNEY DISEASE, ADULT, TYPE III; Polycystic kidney disease 3; Polycystic Kidney and/or Polycystic Liver Disease 3. Identifiers: MedGen C3887964, MONDO:0010916, OMIM 600666.
GANAB-related disorder. Also called: GANAB-related condition.

Allele frequency attached by ClinVar (database versions not stated): TOPMed 0.00001; gnomAD 0.00001; gnomAD exomes 0.00001; ExAC 0.00001.
gnomAD v4.1: 12 of 1,613,976 alleles (0.00074%); highest among the groups gnomAD compares: Non-Finnish European, 0.001%; no homozygotes.

Submissions (3):

Mayo Clinic Laboratories, Mayo Clinic
Classification: Uncertain significance. Last evaluated: 2025-09-17. Review status: criteria provided, single submitter. Criteria: ACMG Guidelines, 2015. Collection method: clinical testing. Allele origin: germline. Observed: 2 variant alleles.

Fulgent Genetics
Classification: Uncertain significance for Polycystic kidney disease 3 with or without polycystic liver disease. Last evaluated: 2024-03-07. Review status: criteria provided, single submitter. Criteria: ACMG Guidelines, 2015. Collection method: clinical testing. Allele origin: germline.

PreventionGenetics, part of Exact Sciences
Classification: Uncertain significance for GANAB-related condition. Last evaluated: 2023-12-22. Review status: no assertion criteria provided. Collection method: clinical testing. Allele origin: germline. Not counted in ClinVar's aggregate classification.
Comment: The GANAB c.496C>A variant is predicted to result in the amino acid substitution p.Leu166Ile. To our knowledge, this variant has not been reported in the literature. This variant is reported in 0.0018% of alleles in individuals of European (Non-Finnish) descent in gnomAD. At this time, the clinical significance of this variant is uncertain due to the absence of conclusive functional and genetic evidence.

NM_198334.3(GANAB):c.496C>A (p.Leu166Ile)

Gene: GANAB (glucosidase II alpha subunit; minus strand). Cytogenetic location: 11q12.3.
Variant type: single nucleotide variant.
Coding change: c.496C>A on transcript NM_198334.3 (MANE Select); coding-DNA position 496, C replaced by A.
Protein change: p.Leu166Ile; replaces leucine 166 with isoleucine.
Molecular consequence: missense variant. On other transcripts: 5 prime UTR variant (2).
Genome position (GRCh38, 1-based): chr11:62,634,885, G>T on the plus strand (C>A on the coding strand, the complement: GANAB is on the minus strand). VCF-style: chr11-62634885-G-T. GRCh37 (hg19) VCF-style: chr11-62402357-G-T.
Other names: p.Leu166Ile; c.154C>A, p.Leu52Ile (NM_001278192.2, NM_001278193.2); c.205C>A, p.Leu69Ile (NM_001278194.2, NM_001329222.2, NM_001329223.2); c.-281C>A (NM_001329224.2, NM_001329225.2); c.496C>A, p.Leu166Ile (NM_198335.4); short protein forms L166I, L52I, L69I.
Identifiers: ClinVar variation 3055686 (VCV003055686.4), dbSNP rs202170226, ClinGen allele CA6051086.
Genomic context (GRCh38, chr11:62,634,885, plus strand): 5'-CCCTAGGGGCCCTCTGATGCTCAAACTCCAAGAGTCCTCGGGCATTGACACTAAGCAAAA[G>T]ACTTCGGTCCTCTAGTAGGTCAAGGCGGAATGGCCGTGCTGTCAAGATGATCTTGTAGGG-3'
Protein context (NP_938148.1, residues 156-176): FRLDLLEDRS[Leu166Ile]LLSVNARGLL